The following is an entry in ClinVar:

ClinVar aggregate classification (germline): Pathogenic. Review status: reviewed by expert panel (3 of 4 stars). 3 submissions from 3 submitters: Pathogenic (1). 2 of the submissions do not count toward it. Last evaluated 2016-10-18.

Conditions:
Breast-ovarian cancer, familial, susceptibility to, 2 (BROVCA2). Also called: BRCA2 Hereditary Breast and Ovarian Cancer. Identifiers: Orphanet 145, MedGen C2675520, MONDO:0012933, OMIM 612555. Disease mechanism: loss of function.

Submissions (3):

Evidence-based Network for the Interpretation of Germline Mutant Alleles (ENIGMA)
Classification: Pathogenic for Breast-ovarian cancer, familial, susceptibility to, 2. Last evaluated: 2016-10-18. Review status: reviewed by expert panel. Criteria: ENIGMA BRCA1/2 Classification Criteria (2015). Collection method: curation. Allele origin: germline.
Comment: Variant allele predicted to encode a truncated non-functional protein.

GeneDx
Classification: Pathogenic. Last evaluated: 2016-06-20. Review status: criteria provided, single submitter. Criteria: GeneDx Variant Classification (06012015). Collection method: clinical testing. Allele origin: germline. Affected: yes. Not counted in ClinVar's aggregate classification.
Comment: This deletion of 4 nucleotides in BRCA2 is denoted c.8238_8241delAGTT at the cDNA level and p.Gly2748ArgfsX28 (G2748RfsX28) at the protein level. The normal sequence, with the bases that are deleted in braces, is TGAC[AGTT]GGTC. The deletion causes a frameshift which changes a Glycine to an Arginine at codon 2748, and creates a premature stop codon at position 28 of the new reading frame. Although this variant has not, to our knowledge, been reported in the literature, it is predicted to cause loss of normal protein function through either protein truncation or nonsense-mediated mRNA decay. We consider this variant to be pathogenic.

Consortium of Investigators of Modifiers of BRCA1/2 (CIMBA), c/o University of Cambridge
Classification: Pathogenic for Breast-ovarian cancer, familial, susceptibility to, 2. Last evaluated: 2015-10-02. Review status: criteria provided, single submitter. Criteria: CIMBA Mutation Classification guidelines May 2016. Collection method: clinical testing. Allele origin: germline. Not counted in ClinVar's aggregate classification.

NM_000059.4(BRCA2):c.8238_8241del (p.Gly2748fs)

Gene: BRCA2 (BRCA2 DNA repair associated; plus strand). Cytogenetic location: 13q13.1.
Variant type: Deletion.
Coding change: c.8238_8241del on transcript NM_000059.4 (MANE Select); coding-DNA positions 8238 to 8241, 4 bases deleted (AGTT; older notation c.8238_8241delAGTT).
Protein change: p.Gly2748fs; shifts the reading frame from glycine 2748.
Molecular consequence: frameshift variant.
Genome position (GRCh38, 1-based): chr13:32,363,440-32,363,443, AGTT deleted. VCF-style (leftmost placement, unchanged base first): chr13-32363439-CAGTT-C. GRCh37 (hg19) VCF-style: chr13-32937576-CAGTT-C.
Other names: 8466_8469delAGTT; c.8238_8241delAGTT (NM_000059.3).
Identifiers: ClinVar variation 267061 (VCV000267061.6), dbSNP rs886040751, ClinGen allele CA10589474.